The following is an entry in ClinVar:

NM_000744.7(CHRNA4):c.1572C>A (p.Asp524Glu)

Gene: CHRNA4 (cholinergic receptor nicotinic alpha 4 subunit; minus strand). Cytogenetic location: 20q13.33.
Variant type: single nucleotide variant.
Coding change: c.1572C>A on transcript NM_000744.7 (MANE Select); coding-DNA position 1572, C replaced by A.
Protein change: p.Asp524Glu; replaces aspartic acid 524 with glutamic acid.
Molecular consequence: missense variant. On other transcripts: non-coding transcript variant (1).
Genome position (GRCh38, 1-based): chr20:63,349,839, G>T on the plus strand (C>A on the coding strand, the complement: CHRNA4 is on the minus strand). VCF-style: chr20-63349839-G-T. GRCh37 (hg19) VCF-style: chr20-61981191-G-T.
Other names: c.1044C>A, p.Asp348Glu (NM_001256573.2); short protein forms D524E, D348E.
Identifiers: ClinVar variation 4745590 (VCV004745590.1).
Genomic context (GRCh38, chr20:63,349,839, plus strand): 5'-GGCGCTCGGGGACACCGAAGAGGGCTCCTTCTTGCATGTGCATTTGCACGGAGAGGGCTG[G>T]TCTGGGGGTGGGAGCTCAGCCGAGTGGGTGTTGCGAGAGGCCAGGGCGCCGGCAGCCTGG-3'
Protein context (NP_000735.1, residues 514-534): NTHSAELPPP[Asp524Glu]QPSPCKCTCK

ClinVar aggregate classification (germline): Uncertain significance (1 of 4 stars; one submission).

Conditions:
Familial sleep-related hypermotor epilepsy. Also called: Autosomal Dominant Sleep-Related Hypermotor (Hyperkinetic) Epilepsy. Identifiers: Orphanet 98784, MedGen C3696898, MONDO:0000030.

Submission:

Labcorp Genetics (formerly Invitae), Labcorp
Classification: Uncertain significance. Last evaluated: 2025-08-03. Review status: criteria provided, single submitter. Criteria: Invitae Variant Classification Sherloc (09022015). Collection method: clinical testing. Allele origin: germline.
Comment: This sequence change replaces aspartic acid, which is acidic and polar, with glutamic acid, which is acidic and polar, at codon 524 of the CHRNA4 protein (p.Asp524Glu). This variant is not present in population databases (gnomAD no frequency). This variant has not been reported in the literature in individuals affected with CHRNA4-related conditions. Invitae Evidence Modeling of protein sequence and biophysical properties (such as structural, functional, and spatial information, amino acid conservation, physicochemical variation, residue mobility, and thermodynamic stability) indicates that this missense variant is not expected to disrupt CHRNA4 protein function with a negative predictive value of 80%. In summary, the available evidence is currently insufficient to determine the role of this variant in disease. Therefore, it has been classified as a Variant of Uncertain Significance.